The following is an entry in ClinVar:

ClinVar aggregate classification (germline): Uncertain significance (1 of 4 stars; one submission).

gnomAD v4.1: 1 of 1,613,632 alleles (0.000062%); highest among the groups gnomAD compares: Non-Finnish European, 0.000085%; no homozygotes.

Submission:

Labcorp Genetics (formerly Invitae), Labcorp
Classification: Uncertain significance. Last evaluated: 2022-08-24. Review status: criteria provided, single submitter. Criteria: Invitae Variant Classification Sherloc (09022015). Collection method: clinical testing. Allele origin: germline.
Comment: This variant has not been reported in the literature in individuals affected with SIAE-related conditions. In summary, the available evidence is currently insufficient to determine the role of this variant in disease. Therefore, it has been classified as a Variant of Uncertain Significance. Algorithms developed to predict the effect of missense changes on protein structure and function are either unavailable or do not agree on the potential impact of this missense change (SIFT: "Deleterious"; PolyPhen-2: "Probably Damaging"; Align-GVGD: "Class C0"). This variant is not present in population databases (gnomAD no frequency). This sequence change replaces glycine, which is neutral and non-polar, with tryptophan, which is neutral and slightly polar, at codon 9 of the SIAE protein (p.Gly9Trp).

NM_170601.5(SIAE):c.25G>T (p.Gly9Trp)

Gene: SIAE (sialic acid acetylesterase; minus strand). Cytogenetic location: 11q24.2.
Variant type: single nucleotide variant.
Coding change: c.25G>T on transcript NM_170601.5 (MANE Select); coding-DNA position 25, G replaced by T.
Protein change: p.Gly9Trp; replaces glycine 9 with tryptophan.
Molecular consequence: missense variant. On other transcripts: intron variant (1).
Genome position (GRCh38, 1-based): chr11:124,673,684, C>A on the plus strand (G>T on the coding strand, the complement: SIAE is on the minus strand). VCF-style: chr11-124673684-C-A. GRCh37 (hg19) VCF-style: chr11-124543580-C-A.
Other names: c.-39+1574G>T (NM_001199922.2); short protein forms G9W.
Identifiers: ClinVar variation 2122213 (VCV002122213.4), dbSNP rs566616753, ClinGen allele CA383123338.